The following is an entry in ClinVar:

ClinVar aggregate classification (germline): Uncertain significance (1 of 4 stars; one submission).

Conditions:
Joubert syndrome. Also called: Familial aplasia of the vermis; JOUBERT-BOLTSHAUSER SYNDROME. Identifiers: Orphanet 475, MedGen C5979921, MONDO:0018772.
Meckel-Gruber syndrome. Also called: Dysencephalia splachnocystica; DYSENCEPHALIA SPLANCHNOCYSTICA; GRUBER SYNDROME. Identifiers: Orphanet 564, MedGen C0265215, MONDO:0018921.

gnomAD v4.1: 2 of 1,466,026 alleles (0.00014%); highest among the groups gnomAD compares: Non-Finnish European, 0.00019%; no homozygotes.

Submission:

Labcorp Genetics (formerly Invitae), Labcorp
Classification: Uncertain significance for Joubert syndrome; Meckel-Gruber syndrome. Last evaluated: 2022-01-24. Review status: criteria provided, single submitter. Criteria: Invitae Variant Classification Sherloc (09022015). Collection method: clinical testing. Allele origin: germline.
Comment: In summary, the available evidence is currently insufficient to determine the role of this variant in disease. Therefore, it has been classified as a Variant of Uncertain Significance. Advanced modeling of protein sequence and biophysical properties (such as structural, functional, and spatial information, amino acid conservation, physicochemical variation, residue mobility, and thermodynamic stability) performed at Invitae indicates that this missense variant is expected to disrupt CC2D2A protein function. This variant has not been reported in the literature in individuals affected with CC2D2A-related conditions. This variant is present in population databases (no rsID available, gnomAD 0.002%). This sequence change replaces arginine, which is basic and polar, with threonine, which is neutral and polar, at codon 976 of the CC2D2A protein (p.Arg976Thr).

NM_001378615.1(CC2D2A):c.2927G>C (p.Arg976Thr)

Genes: CC2D2A (coiled-coil and C2 domain containing 2A; plus strand), FBXL5 (F-box and leucine rich repeat protein 5; minus strand). Cytogenetic location: 4p15.32.
Variant type: single nucleotide variant.
Coding change: c.2927G>C on transcript NM_001378615.1 (MANE Select); coding-DNA position 2927, G replaced by C.
Protein change: p.Arg976Thr; replaces arginine 976 with threonine.
Molecular consequence: missense variant.
Genome position (GRCh38, 1-based): chr4:15,560,535, G>C. VCF-style: chr4-15560535-G-C. GRCh37 (hg19) VCF-style: chr4-15562158-G-C.
Other names: c.2927G>C, p.Arg976Thr (NM_001080522.2); c.2780G>C, p.Arg927Thr (NM_001378617.1); short protein forms R927T, R976T.
Identifiers: ClinVar variation 1981412 (VCV001981412.4), dbSNP rs1327730952, ClinGen allele CA356413350.